The following is an entry in ClinVar:

ClinVar aggregate classification (germline): Uncertain significance (1 of 4 stars; one submission).

Allele frequency attached by ClinVar (database versions not stated): gnomAD exomes 0.00001; TOPMed 0.00011; ESP Exome Variant Server 0.00023; ExAC 0.00002; gnomAD 0.00007.
gnomAD v4.1: 23 of 1,613,682 alleles (0.0014%); highest among the groups gnomAD compares: African/African-American, 0.029%; no homozygotes.

Submission:

Labcorp Genetics (formerly Invitae), Labcorp
Classification: Uncertain significance. Last evaluated: 2025-10-01. Review status: criteria provided, single submitter. Criteria: Invitae Variant Classification Sherloc (09022015). Collection method: clinical testing. Allele origin: germline.
Comment: This sequence change falls in intron 13 of the SLC4A1 gene. It does not directly change the encoded amino acid sequence of the SLC4A1 protein. It affects a nucleotide within the consensus splice site. This variant is present in population databases (rs373612857, gnomAD 0.02%). This variant has not been reported in the literature in individuals affected with SLC4A1-related conditions. ClinVar contains an entry for this variant (Variation ID: 2748913). Variants that disrupt the consensus splice site are a relatively common cause of aberrant splicing (PMID: 17576681, 9536098). Algorithms developed to predict the effect of sequence changes on RNA splicing suggest that this variant is not likely to affect RNA splicing. In summary, the available evidence is currently insufficient to determine the role of this variant in disease. Therefore, it has been classified as a Variant of Uncertain Significance.

Literature cited by the submitters: PubMed 17576681; PubMed 9536098.

NM_000342.4(SLC4A1):c.1626+4G>A

Gene: SLC4A1 (solute carrier family 4 member 1 (Diego blood group); minus strand). Cytogenetic location: 17q21.31.
Variant type: single nucleotide variant.
Coding change: c.1626+4G>A on transcript NM_000342.4 (MANE Select); 4 bases into the intron after coding-DNA position 1626, G replaced by A.
Molecular consequence: intron variant.
Genome position (GRCh38, 1-based): chr17:44,257,346, C>T on the plus strand (G>A on the coding strand, the complement: SLC4A1 is on the minus strand). VCF-style: chr17-44257346-C-T. GRCh37 (hg19) VCF-style: chr17-42334714-C-T.
Identifiers: ClinVar variation 2748913 (VCV002748913.3), dbSNP rs373612857, ClinGen allele CA8600235.
Genomic context (GRCh38, chr17:44,257,346, plus strand): 5'-CCGGCCACTGTCTCAGTCTTATACACAACCTCCCGTGTGCATTAACATCCCCATAGGCCC[C>T]CACCTTGATCAGCTTGGAGAAAGTCTCATAGATGAAGATGAGGGAAATGAGGAAGGAGAA-3'